The following is an entry in ClinVar:

ClinVar aggregate classification (germline): Uncertain significance (1 of 4 stars; one submission).

Submission:

GeneDx
Classification: Uncertain significance. Last evaluated: 2023-12-14. Review status: criteria provided, single submitter. Criteria: GeneDx Variant Classification Process June 2021. Collection method: clinical testing. Allele origin: germline. Affected: yes.
Comment: Not observed at significant frequency in large population cohorts (gnomAD); In silico analysis supports that this missense variant has a deleterious effect on protein structure/function; Has not been previously published as pathogenic or benign to our knowledge; Variants in candidate genes are classified as variants of uncertain significance in accordance with ACMG guidelines (PMID: 25741868)

NM_003400.4(XPO1):c.3018A>C (p.Gln1006His)

Genes: USP34-DT (USP34 divergent transcript; plus strand), XPO1 (exportin 1; minus strand). Cytogenetic location: 2p15.
Variant type: single nucleotide variant.
Coding change: c.3018A>C on transcript NM_003400.4 (MANE Select); coding-DNA position 3018, A replaced by C.
Protein change: p.Gln1006His; replaces glutamine 1006 with histidine.
Molecular consequence: missense variant.
Genome position (GRCh38, 1-based): chr2:61,481,236, T>G on the plus strand (A>C on the coding strand, the complement: XPO1 is on the minus strand). VCF-style: chr2-61481236-T-G. GRCh37 (hg19) VCF-style: chr2-61708371-T-G.
Other names: c.2883A>C, p.Gln961His (NM_001410799.1); short protein forms Q1006H, Q961H.
Identifiers: ClinVar variation 4076631 (VCV004076631.1).